The following is an entry in ClinVar:

ClinVar aggregate classification (germline): Uncertain significance. Review status: criteria provided, single submitter (1 of 4 stars). 2 submissions from 2 submitters: Uncertain significance (1). 1 of the submissions does not count toward it. Last evaluated 2022-03-27.

Conditions:
Autosomal recessive inherited pseudoxanthoma elasticum (PXE). Identifiers: Orphanet 758, MedGen CN032334, MONDO:0009925, OMIM 264800.

Submissions (2):

Labcorp Genetics (formerly Invitae), Labcorp
Classification: Uncertain significance. Last evaluated: 2022-03-27. Review status: criteria provided, single submitter. Criteria: Invitae Variant Classification Sherloc (09022015). Collection method: clinical testing. Allele origin: germline.
Comment: In summary, the available evidence is currently insufficient to determine the role of this variant in disease. Therefore, it has been classified as a Variant of Uncertain Significance. Variants that disrupt the consensus splice site are a relatively common cause of aberrant splicing (PMID: 17576681, 9536098). Algorithms developed to predict the effect of sequence changes on RNA splicing suggest that this variant may disrupt the consensus splice site. ClinVar contains an entry for this variant (Variation ID: 433328). This variant has been observed in individual(s) with pseudoxanthoma elasticum (PMID: 16086317). This variant is not present in population databases (gnomAD no frequency). This sequence change affects codon 1245 of the ABCC6 mRNA. It is a 'silent' change, meaning that it does not change the encoded amino acid sequence of the ABCC6 protein. This variant also falls at the last nucleotide of exon 26, which is part of the consensus splice site for this exon.

PXE International
Classification: Uncertain significance for Autosomal recessive inherited pseudoxanthoma elasticum. Last evaluated: 2021-02-16. Review status: no assertion criteria provided. Collection method: research. Allele origin: germline. Inheritance: Autosomal recessive inheritance. Affected: yes. Not counted in ClinVar's aggregate classification.

Literature cited by the submitters: PubMed 17576681 (cited by Labcorp Genetics (formerly Invitae), Labcorp); PubMed 9536098 (cited by Labcorp Genetics (formerly Invitae), Labcorp); PubMed 16086317 (cited by Labcorp Genetics (formerly Invitae), Labcorp and PXE International).

NM_001171.6(ABCC6):c.3735G>A (p.Glu1245=)

Gene: ABCC6 (ATP binding cassette subfamily C member 6; minus strand). Cytogenetic location: 16p13.11.
Variant type: single nucleotide variant.
Coding change: c.3735G>A on transcript NM_001171.6 (MANE Select); coding-DNA position 3735, G replaced by A.
Protein change: p.Glu1245=; no amino-acid change (glutamic acid 1245 retained).
Molecular consequence: synonymous variant. On other transcripts: non-coding transcript variant (1).
Genome position (GRCh38, 1-based): chr16:16,159,482, C>T on the plus strand (G>A on the coding strand, the complement: ABCC6 is on the minus strand). VCF-style: chr16-16159482-C-T. GRCh37 (hg19) VCF-style: chr16-16253339-C-T.
Other names: c.3393G>A, p.Glu1131= (NM_001351800.1).
Identifiers: ClinVar variation 433328 (VCV000433328.7), dbSNP rs281865557, ClinGen allele CA278628698.